The following is an entry in ClinVar:

ClinVar aggregate classification (germline): Uncertain significance (1 of 4 stars; one submission).

Conditions:
Predisposition to invasive fungal disease due to CARD9 deficiency (IMD103). Also called: Candidiasis, familial, 2, autosomal recessive; IMMUNODEFICIENCY 103, SUSCEPTIBILITY TO FUNGAL INFECTIONS; CARD9 IMMUNODEFICIENCY. Identifiers: Orphanet 457088, MedGen C1859353, MONDO:0008905, OMIM 212050.

Allele frequency attached by ClinVar (database versions not stated): gnomAD exomes below 0.00001; TOPMed below 0.00001; gnomAD 0.00001.
gnomAD v4.1: 7 of 1,612,672 alleles (0.00043%); highest among the groups gnomAD compares: Non-Finnish European, 0.00059%; no homozygotes.

Submission:

Labcorp Genetics (formerly Invitae), Labcorp
Classification: Uncertain significance for Predisposition to invasive fungal disease due to CARD9 deficiency. Last evaluated: 2021-11-23. Review status: criteria provided, single submitter. Criteria: Invitae Variant Classification Sherloc (09022015). Collection method: clinical testing. Allele origin: germline.
Comment: This variant is not present in population databases (gnomAD no frequency). This sequence change replaces lysine, which is basic and polar, with asparagine, which is neutral and polar, at codon 229 of the CARD9 protein (p.Lys229Asn). This variant has not been reported in the literature in individuals affected with CARD9-related conditions. In summary, the available evidence is currently insufficient to determine the role of this variant in disease. Therefore, it has been classified as a Variant of Uncertain Significance. Algorithms developed to predict the effect of missense changes on protein structure and function are either unavailable or do not agree on the potential impact of this missense change (SIFT: "Deleterious"; PolyPhen-2: "Possibly Damaging"; Align-GVGD: "Class C0").

NM_052813.5(CARD9):c.687G>T (p.Lys229Asn)

Gene: CARD9 (caspase recruitment domain family member 9; minus strand). Cytogenetic location: 9q34.3.
Variant type: single nucleotide variant.
Coding change: c.687G>T on transcript NM_052813.5 (MANE Select); coding-DNA position 687, G replaced by T.
Protein change: p.Lys229Asn; replaces lysine 229 with asparagine.
Molecular consequence: missense variant.
Genome position (GRCh38, 1-based): chr9:136,370,642, C>A on the plus strand (G>T on the coding strand, the complement: CARD9 is on the minus strand). VCF-style: chr9-136370642-C-A. GRCh37 (hg19) VCF-style: chr9-139265094-C-A.
Other names: c.687G>T, p.Lys229Asn (NM_052814.4); short protein forms K229N.
Identifiers: ClinVar variation 1356633 (VCV001356633.4), dbSNP rs1833242172, ClinGen allele CA375544639.
Genomic context (GRCh38, chr9:136,370,642, plus strand): 5'-CTCCCACAGCAGCTCCTGGCTGGGCCGCTGCTCCATGGCGTGCCTGAGCTTCAGCGTGTG[C>A]TTGCGCTCCACCTTGCAGTCGTCCTCGGCCTTCATGAGGCTGTGCTTGAGCTGGTCAATC-3'
Protein context (NP_434700.2, residues 219-239): KAEDDCKVER[Lys229Asn]HTLKLRHAME